The following is an entry in ClinVar:

NM_004817.4(TJP2):c.2645C>A (p.Ala882Glu)

Gene: TJP2 (tight junction protein 2; plus strand). Cytogenetic location: 9q21.11.
Variant type: single nucleotide variant.
Coding change: c.2645C>A on transcript NM_004817.4 (MANE Select); coding-DNA position 2645, C replaced by A.
Protein change: p.Ala882Glu; replaces alanine 882 with glutamic acid.
Molecular consequence: missense variant.
Genome position (GRCh38, 1-based): chr9:69,246,768, C>A. VCF-style: chr9-69246768-C-A. GRCh37 (hg19) VCF-style: chr9-71861684-C-A.
Other names: c.2576C>A, p.Ala859Glu (NM_001170414.2, NM_001369871.1); c.2657C>A, p.Ala886Glu (NM_001170415.1, NM_001369874.1, NM_001369875.1); c.2738C>A, p.Ala913Glu (NM_001170416.2); c.2570C>A, p.Ala857Glu (NM_001369870.1); c.2645C>A, p.Ala882Glu (NM_001369872.1, NM_001369873.1, NM_201629.3); short protein forms A857E, A859E, A882E, A886E, A913E.
Identifiers: ClinVar variation 1315030 (VCV001315030.2), dbSNP rs1014295697, ClinGen allele CA193381452.

ClinVar aggregate classification (germline): Uncertain significance (1 of 4 stars; one submission).

gnomAD v4.1: 1 of 1,614,002 alleles (0.000062%); highest among the groups gnomAD compares: South Asian, 0.0011%; no homozygotes.

Submission:

GeneDx
Classification: Uncertain significance. Last evaluated: 2020-01-27. Review status: criteria provided, single submitter. Criteria: GeneDx Variant Classification Process June 2021. Collection method: clinical testing. Allele origin: germline. Affected: yes.
Comment: Not observed in large population cohorts (Lek et al., 2016); In silico analysis, which includes protein predictors and evolutionary conservation, supports that this variant does not alter protein structure/function; Has not been previously published as pathogenic or benign to our knowledge